The following is an entry in ClinVar:

ClinVar aggregate classification (germline): Pathogenic (1 of 4 stars; one submission).

Conditions:
Severe combined immunodeficiency due to DCLRE1C deficiency (RS-SCID). Also called: SCID, AUTOSOMAL RECESSIVE, T CELL-NEGATIVE, B CELL-NEGATIVE, NK CELL-POSITIVE, WITH SENSITIVITY TO IONIZING RADIATION. Identifiers: Orphanet 275, MedGen C1865371, MONDO:0011225, OMIM 602450.

Allele frequency attached by ClinVar (database versions not stated): gnomAD exomes 0.00001.
gnomAD v4.1: 13 of 1,610,678 alleles (0.00081%); highest among the groups gnomAD compares: Non-Finnish European, 0.0011%; no homozygotes.

Submission:

Labcorp Genetics (formerly Invitae), Labcorp
Classification: Pathogenic for Athabaskan severe combined immunodeficiency. Last evaluated: 2022-04-12. Review status: criteria provided, single submitter. Criteria: Invitae Variant Classification Sherloc (09022015). Collection method: clinical testing. Allele origin: germline.
Comment: This variant is present in population databases (no rsID available, gnomAD 0.0009%). This sequence change affects a donor splice site in intron 5 of the DCLRE1C gene. It is expected to disrupt RNA splicing. Variants that disrupt the donor or acceptor splice site typically lead to a loss of protein function (PMID: 16199547), and loss-of-function variants in DCLRE1C are known to be pathogenic (PMID: 21664875, 26123418). Algorithms developed to predict the effect of sequence changes on RNA splicing suggest that this variant may disrupt the consensus splice site. Disruption of this splice site has been observed in individual(s) with severe combined immunodeficiency (PMID: 25981738). For these reasons, this variant has been classified as Pathogenic.

Literature cited by the submitters: PubMed 16199547; PubMed 21664875; PubMed 26123418; PubMed 25981738.

NM_001033855.3(DCLRE1C):c.362+2T>A

Gene: DCLRE1C (DNA cross-link repair 1C; minus strand). Cytogenetic location: 10p13.
Variant type: single nucleotide variant.
Coding change: c.362+2T>A on transcript NM_001033855.3 (MANE Select); the canonical splice donor site of the intron after coding-DNA position 362, T replaced by A.
Molecular consequence: splice donor variant. On other transcripts: intron variant (4).
Genome position (GRCh38, 1-based): chr10:14,936,536, A>T on the plus strand (T>A on the coding strand, the complement: DCLRE1C is on the minus strand). VCF-style: chr10-14936536-A-T. GRCh37 (hg19) VCF-style: chr10-14978535-A-T.
Other names: c.18-972T>A (NM_001350966.2, NM_001289078.2, NM_001289076.2 and 1 more transcripts); c.362+2T>A (NM_001350965.2); c.2+2T>A (NM_001350967.2, NM_001289077.2, NM_001289079.2 and 2 more transcripts).
Identifiers: ClinVar variation 2136848 (VCV002136848.4), dbSNP rs1413539097, ClinGen allele CA376061089.